The following is an entry in ClinVar:

NM_000742.4(CHRNA2):c.1464+5G>T

Gene: CHRNA2 (cholinergic receptor nicotinic alpha 2 subunit; minus strand). Cytogenetic location: 8p21.2.
Variant type: single nucleotide variant.
Coding change: c.1464+5G>T on transcript NM_000742.4 (MANE Select); 5 bases into the intron after coding-DNA position 1464, G replaced by T.
Molecular consequence: intron variant.
Genome position (GRCh38, 1-based): chr8:27,462,974, C>A on the plus strand (G>T on the coding strand, the complement: CHRNA2 is on the minus strand). VCF-style: chr8-27462974-C-A. GRCh37 (hg19) VCF-style: chr8-27320491-C-A.
Other names: c.987+5G>T (NM_001347705.2, NM_001347706.2); c.1419+5G>T (NM_001282455.2); c.870+5G>T (NM_001347708.2, NM_001347707.2).
Identifiers: ClinVar variation 1347039 (VCV001347039.6), dbSNP rs758065946, ClinGen allele CA580667907.
Genomic context (GRCh38, chr8:27,462,974, plus strand): 5'-TAAGGTGGTTCCCCGCTAAGTTGGTGGGGCCACCCAGGCTGGCGCCTCTCCCAACCCCAA[C>A]GCACCGAAGAGTCAGCATCCTCAGACCGCAGGTGGTCGGCAATGTAGTGCACACCTTCCA-3'

ClinVar aggregate classification (germline): Uncertain significance (1 of 4 stars; one submission).

Conditions:
Familial sleep-related hypermotor epilepsy. Also called: Autosomal Dominant Sleep-Related Hypermotor (Hyperkinetic) Epilepsy. Identifiers: Orphanet 98784, MedGen C3696898, MONDO:0000030.

Submission:

Labcorp Genetics (formerly Invitae), Labcorp
Classification: Uncertain significance. Last evaluated: 2020-11-14. Review status: criteria provided, single submitter. Criteria: Invitae Variant Classification Sherloc (09022015). Collection method: clinical testing. Allele origin: germline.
Comment: This sequence change falls in intron 6 of the CHRNA2 gene. It does not directly change the encoded amino acid sequence of the CHRNA2 protein. It affects a nucleotide within the consensus splice site of the intron. This variant is not present in population databases (ExAC no frequency). This variant has not been reported in the literature in individuals with CHRNA2-related conditions. Nucleotide substitutions within the consensus splice site are a relatively common cause of aberrant splicing (PMID: 17576681, 9536098). Algorithms developed to predict the effect of sequence changes on RNA splicing suggest that this variant may disrupt the consensus splice site, but this prediction has not been confirmed by published transcriptional studies. In summary, the available evidence is currently insufficient to determine the role of this variant in disease. Therefore, it has been classified as a Variant of Uncertain Significance.

Literature cited by the submitters: PubMed 17576681; PubMed 9536098.